The following is an entry in ClinVar:

NM_022065.5(THADA):c.4149T>C (p.Ile1383=)

Gene: THADA (THADA armadillo repeat containing; minus strand). Cytogenetic location: 2p21.
Variant type: single nucleotide variant.
Coding change: c.4149T>C on transcript NM_022065.5 (MANE Select); coding-DNA position 4149, T replaced by C.
Protein change: p.Ile1383=; no amino-acid change (isoleucine 1383 retained).
Molecular consequence: synonymous variant. On other transcripts: non-coding transcript variant (2).
Genome position (GRCh38, 1-based): chr2:43,398,049, A>G on the plus strand (T>C on the coding strand, the complement: THADA is on the minus strand). VCF-style: chr2-43398049-A-G. GRCh37 (hg19) VCF-style: chr2-43625188-A-G.
Other names: c.4149T>C, p.Ile1383= (NM_001083953.2, NM_001345925.2); c.4146T>C, p.Ile1382= (NM_001345923.2); c.4026T>C, p.Ile1342= (NM_001345924.2); c.*220T>C (NM_198554.1).
Identifiers: ClinVar variation 3057780 (VCV003057780.2), dbSNP rs199694887, ClinGen allele CA1632341.
Genomic context (GRCh38, chr2:43,398,049, plus strand): 5'-AATGTGGTTTTGCCGGAAACACTGGTCAGTGCAGCTGGGGAGTGTGGACAACAGAGTTCG[A>G]ATGGTATTAGGAATGTGATCTATCATAACAAATGGGACCAAGGCACGAGCTGCCATTTCA-3'
Protein context (NP_071348.3, residues 1373-1393): FVMIDHIPNT[Ile1383=]RTLLSTLPSC

ClinVar aggregate classification (germline): Likely benign (0 of 4 stars; one submission).

Conditions:
THADA-related disorder. Also called: THADA-related condition.

Allele frequency attached by ClinVar (database versions not stated): gnomAD 0.00019; TOPMed 0.00026; gnomAD exomes 0.00028; 1000 Genomes Project 30x 0.00031; 1000 Genomes Project 0.00040; ExAC 0.00059.
gnomAD v4.1: 430 of 1,614,010 alleles (0.027%); highest among the groups gnomAD compares: East Asian, 0.94%; 1 homozygote.

Submission:

PreventionGenetics, part of Exact Sciences
Classification: Likely benign for THADA-related condition. Last evaluated: 2019-04-01. Review status: no assertion criteria provided. Collection method: clinical testing. Allele origin: germline.
Comment: This variant is classified as likely benign based on ACMG/AMP sequence variant interpretation guidelines (Richards et al. 2015 PMID: 25741868, with internal and published modifications).